The following is an entry in ClinVar:

NM_003190.5(TAPBP):c.619C>T (p.Arg207Ter)

Gene: TAPBP (TAP binding protein; minus strand). Cytogenetic location: 6p21.32.
Variant type: single nucleotide variant.
Coding change: c.619C>T on transcript NM_003190.5 (MANE Select); coding-DNA position 619, C replaced by T.
Protein change: p.Arg207Ter; replaces arginine 207 with a stop codon.
Molecular consequence: nonsense.
Genome position (GRCh38, 1-based): chr6:33,305,238, G>A on the plus strand (C>T on the coding strand, the complement: TAPBP is on the minus strand). VCF-style: chr6-33305238-G-A. GRCh37 (hg19) VCF-style: chr6-33273015-G-A.
Other names: c.619C>T, p.Arg207Ter (NM_172208.3); c.358C>T, p.Arg120Ter (NM_172209.3); short protein forms R207*, R120*.
Identifiers: ClinVar variation 636340 (VCV000636340.8), dbSNP rs767195857, ClinGen allele CA3755842.

ClinVar aggregate classification (germline): Conflicting classifications of pathogenicity. Review status: criteria provided, conflicting classifications (1 of 4 stars). 3 submissions from 3 submitters: Likely pathogenic (1); Uncertain significance (2). Last evaluated 2026-02-13.

Conditions:
MHC class I deficiency. Identifiers: Orphanet 34592, MedGen C6024714, MONDO:0011476.

Allele frequency attached by ClinVar (database versions not stated): ExAC 0.00005; TOPMed 0.00002; gnomAD exomes 0.00010 and 0.00003.
gnomAD v4.1: 48 of 1,612,554 alleles (0.003%); highest among the groups gnomAD compares: Admixed American, 0.038%; 1 homozygote.

Submissions (4):

Women's Health and Genetics/Laboratory Corporation of America, LabCorp
Classification: Uncertain significance. Last evaluated: 2026-02-13. Review status: criteria provided, single submitter. Criteria: LabCorp Variant Classification Summary - May 2015. Collection method: clinical testing. Allele origin: germline.
Comment: Variant summary: TAPBP c.619C>T (p.Arg207X) results in a premature termination codon, predicted to cause a truncation of the encoded protein or absence of the protein due to nonsense mediated decay, however current evidence is not sufficient to establish loss of function as a mechanism for disease. The variant allele was found at a frequency of 9.6e-05 in 249252 control chromosomes in the gnomAD database, including 1 homozygotes. This frequency is not significantly higher than estimated for disease-causing variants in TAPBP, allowing no conclusion about variant significance. To our knowledge, no occurrence of c.619C>T in individuals affected with TAPBP-related conditions and no experimental evidence demonstrating its impact on protein function have been reported. ClinVar contains an entry for this variant (Variation ID: 636340). Based on the evidence outlined above, the variant was classified as uncertain significance.

Labcorp Genetics (formerly Invitae), Labcorp
Classification: Uncertain significance for MHC class I deficiency 1. Last evaluated: 2026-01-12. Review status: criteria provided, single submitter. Criteria: Invitae Variant Classification Sherloc (09022015). Collection method: clinical testing. Allele origin: germline.
Comment: This sequence change creates a premature translational stop signal (p.Arg207*) in the TAPBP gene. It is expected to result in an absent or disrupted protein product. However, the current clinical and genetic evidence is not sufficient to establish whether loss-of-function variants in TAPBP cause disease. This variant is present in population databases (rs767195857, gnomAD 0.06%), and has an allele count higher than expected for a pathogenic variant. This variant has not been reported in the literature in individuals affected with TAPBP-related conditions. ClinVar contains an entry for this variant (Variation ID: 636340). In summary, the available evidence is currently insufficient to determine the role of this variant in disease. Therefore, it has been classified as a Variant of Uncertain Significance.

AiLife Diagnostics
Classification: Likely pathogenic. Last evaluated: 2022-03-17. Review status: criteria provided, single submitter. Criteria: ACMG Guidelines, 2015. Collection method: clinical testing. Allele origin: germline. Affected: yes. Observed: 1 variant allele.

Dr. Peter K. Rogan Lab, Western University
No classification provided (evidence only). Condition: Malignant tumor of urinary bladder. Review status: no classification provided. Collection method: in vitro. Allele origin: not applicable. Functional consequence: retained intron. Not counted in ClinVar's aggregate classification.